The following is an entry in ClinVar:

NC_012920.1(MT-ND1):m.3358G>A

Gene: MT-ND1 (mitochondrially encoded NADH dehydrogenase 1; plus strand).
Variant type: single nucleotide variant.
Genome position: chrM-3358-G-A.
Identifiers: ClinVar variation 692344 (VCV000692344.1), dbSNP rs1556422715, ClinGen allele CA414772610.
Genomic context (GRCh38, chrMT:3,358, plus strand): 5'-CTTAACAACATACCCATGGCCAACCTCCTACTCCTCATTGTACCCATTCTAATCGCAATG[G>A]CATTCCTAATGCTTACCGAACGAAAAATTCTAGGCTATATACAACTACGCAAAGGCCCCA-3'

ClinVar aggregate classification (germline): Uncertain significance (1 of 4 stars; one submission).

Conditions:
Leigh syndrome (NULS). Also called: Leigh's necrotizing encephalopathy; Leigh's disease; Leigh Syndrome (mtDNA deletion); Leigh Disease; Subacute necrotizing encephalopathy; Necrotizing encephalopathy infantile subacute of Leigh. Identifiers: Orphanet 506, MedGen C2931891, MONDO:0009723, OMIM 256000.

Submission:

Wong Mito Lab, Molecular and Human Genetics, Baylor College of Medicine
Classification: Uncertain significance for Leigh syndrome. Last evaluated: 2019-10-17. Review status: criteria provided, single submitter. Criteria: Modified ACMG Guidelines (Unpublished). Collection method: clinical testing. Allele origin: germline.
Comment: The NC_012920.1:m.3358G>A (YP_003024026.1:p.Ala18Thr) variant in MTND1 gene is interpretated to be a Uncertain Significance variant based on the modified ACMG guidelines (unpublished). This variant meets the following evidence codes: BS1, PP4, PP6